The following is an entry in ClinVar:

ClinVar aggregate classification (germline): Uncertain significance. Review status: criteria provided, multiple submitters, no conflicts (2 of 4 stars). 2 submissions from 2 submitters: Uncertain significance (2). Last evaluated 2024-05-17.

Allele frequency attached by ClinVar (database versions not stated): ESP Exome Variant Server 0.00008.
gnomAD v4.1: 63 of 1,613,730 alleles (0.0039%); highest among the groups gnomAD compares: Non-Finnish European, 0.0047%; no homozygotes.

Submissions (2):

Athena Diagnostics
Classification: Uncertain significance. Last evaluated: 2024-05-17. Review status: criteria provided, single submitter. Criteria: Athena Diagnostics Criteria. Collection method: clinical testing. Allele origin: unknown.
Comment: Available data are insufficient to determine the clinical significance of the variant at this time. The frequency of this variant in the general population is uninformative in assessment of its pathogenicity. Polyphen and MutationTaster predict this amino acid change may be benign.

Labcorp Genetics (formerly Invitae), Labcorp
Classification: Uncertain significance. Last evaluated: 2022-08-09. Review status: criteria provided, single submitter. Criteria: Invitae Variant Classification Sherloc (09022015). Collection method: clinical testing. Allele origin: germline.
Comment: This sequence change replaces glutamine, which is neutral and polar, with glutamic acid, which is acidic and polar, at codon 270 of the MTPAP protein (p.Gln270Glu). This variant is present in population databases (rs374992087, gnomAD 0.003%). This variant has not been reported in the literature in individuals affected with MTPAP-related conditions. ClinVar contains an entry for this variant (Variation ID: 1443498). Algorithms developed to predict the effect of missense changes on protein structure and function are either unavailable or do not agree on the potential impact of this missense change (SIFT: "Tolerated"; PolyPhen-2: "Possibly Damaging"; Align-GVGD: "Class C0"). In summary, the available evidence is currently insufficient to determine the role of this variant in disease. Therefore, it has been classified as a Variant of Uncertain Significance.

NM_018109.4(MTPAP):c.808C>G (p.Gln270Glu)

Gene: MTPAP (mitochondrial poly(A) polymerase; minus strand). Cytogenetic location: 10p11.23.
Variant type: single nucleotide variant.
Coding change: c.808C>G on transcript NM_018109.4 (MANE Select); coding-DNA position 808, C replaced by G.
Protein change: p.Gln270Glu; replaces glutamine 270 with glutamic acid.
Molecular consequence: missense variant.
Genome position (GRCh38, 1-based): chr10:30,326,608, G>C on the plus strand (C>G on the coding strand, the complement: MTPAP is on the minus strand). VCF-style: chr10-30326608-G-C. GRCh37 (hg19) VCF-style: chr10-30615537-G-C.
Other names: c.808C>G (NM_018109.3); short protein forms Q270E.
Identifiers: ClinVar variation 1443498 (VCV001443498.4), dbSNP rs374992087, ClinGen allele CA5459087.
Genomic context (GRCh38, chr10:30,326,608, plus strand): 5'-CTCCTAACACAGACAGGATCTTCTGAGTTGCAATTCTTTCTGAAGGAACATTTTTCACTT[G>C]AAATTCCATCAGAAAATTTCCTGAGATCTGAAAAATAAACACATTTCTAAATAGGAGCTT-3'
Protein context (NP_060579.3, residues 260-280): KISGNFLMEF[Gln270Glu]VKNVPSERIA